The following is an entry in ClinVar:

NM_152564.5(VPS13B):c.2445G>T (p.Trp815Cys)

Gene: VPS13B (vacuolar protein sorting 13 homolog B; plus strand). Cytogenetic location: 8q22.2.
Variant type: single nucleotide variant.
Coding change: c.2445G>T on transcript NM_152564.5 (MANE Select); coding-DNA position 2445, G replaced by T.
Protein change: p.Trp815Cys; replaces tryptophan 815 with cysteine.
Molecular consequence: missense variant.
Genome position (GRCh38, 1-based): chr8:99,192,987, G>T. VCF-style: chr8-99192987-G-T. GRCh37 (hg19) VCF-style: chr8-100205215-G-T.
Other names: c.2445G>T, p.Trp815Cys (NM_015243.3, NM_017890.5); short protein forms W815C.
Identifiers: ClinVar variation 1354951 (VCV001354951.5), dbSNP rs1452649119, ClinGen allele CA371861692.

ClinVar aggregate classification (germline): Uncertain significance (1 of 4 stars; one submission).

Conditions:
Cohen syndrome (COH1). Also called: PEPPER SYNDROME; Cutis verticis gyrata, retinitis pigmentosa, and sensorineural deafness. Identifiers: Orphanet 193, MedGen C0265223, MONDO:0008999, OMIM 216550.

Allele frequency attached by ClinVar (database versions not stated): TOPMed below 0.00001; gnomAD 0.00001.
gnomAD v4.1: 1 of 1,613,560 alleles (0.000062%); highest among the groups gnomAD compares: African/African-American, 0.0013%; no homozygotes.

Submission:

Labcorp Genetics (formerly Invitae), Labcorp
Classification: Uncertain significance for Cohen syndrome. Last evaluated: 2021-08-14. Review status: criteria provided, single submitter. Criteria: Invitae Variant Classification Sherloc (09022015). Collection method: clinical testing. Allele origin: germline.
Comment: This sequence change replaces tryptophan with cysteine at codon 815 of the VPS13B protein (p.Trp815Cys). The tryptophan residue is weakly conserved and there is a large physicochemical difference between tryptophan and cysteine. This variant is not present in population databases (ExAC no frequency). This variant has not been reported in the literature in individuals affected with VPS13B-related conditions. Algorithms developed to predict the effect of missense changes on protein structure and function are either unavailable or do not agree on the potential impact of this missense change (SIFT: "Not Available"; PolyPhen-2: "Probably Damaging"; Align-GVGD: "Not Available"). In summary, the available evidence is currently insufficient to determine the role of this variant in disease. Therefore, it has been classified as a Variant of Uncertain Significance.